The following is an entry in ClinVar:

NM_014244.5(ADAMTS2):c.165G>C (p.Glu55Asp)

Gene: ADAMTS2 (ADAM metallopeptidase with thrombospondin type 1 motif 2; minus strand). Cytogenetic location: 5q35.3.
Variant type: single nucleotide variant.
Coding change: c.165G>C on transcript NM_014244.5 (MANE Select); coding-DNA position 165, G replaced by C.
Protein change: p.Glu55Asp; replaces glutamic acid 55 with aspartic acid.
Molecular consequence: missense variant.
Genome position (GRCh38, 1-based): chr5:179,344,136, C>G on the plus strand (G>C on the coding strand, the complement: ADAMTS2 is on the minus strand). VCF-style: chr5-179344136-C-G. GRCh37 (hg19) VCF-style: chr5-178771137-C-G.
Other names: c.165G>C, p.Glu55Asp (NM_021599.4); short protein forms E55D.
Identifiers: ClinVar variation 650113 (VCV000650113.9), dbSNP rs1581300233, ClinGen allele CA362623443.

ClinVar aggregate classification (germline): Uncertain significance (1 of 4 stars; one submission).

Conditions:
Ehlers-Danlos syndrome, dermatosparaxis type. Also called: Dermatosparaxis; Ehlers-Danlos syndrome, type VII, autosomal recessive; EDS VIIC. Identifiers: Orphanet 1901, MedGen C2700425, MONDO:0009161, OMIM 225410.

Allele frequency attached by ClinVar (database versions not stated): gnomAD exomes below 0.00001.
gnomAD v4.1: 1 of 1,603,720 alleles (0.000062%); highest among the groups gnomAD compares: Non-Finnish European, 0.000085%; no homozygotes.

Submission:

Labcorp Genetics (formerly Invitae), Labcorp
Classification: Uncertain significance for Ehlers-Danlos syndrome, dermatosparaxis type. Last evaluated: 2018-11-07. Review status: criteria provided, single submitter. Criteria: Invitae Variant Classification Sherloc (09022015). Collection method: clinical testing. Allele origin: germline.
Comment: This sequence change replaces glutamic acid with aspartic acid at codon 55 of the ADAMTS2 protein (p.Glu55Asp). The glutamic acid residue is highly conserved and there is a small physicochemical difference between glutamic acid and aspartic acid. This variant is not present in population databases (ExAC no frequency). In summary, the available evidence is currently insufficient to determine the role of this variant in disease. Therefore, it has been classified as a Variant of Uncertain Significance. Algorithms developed to predict the effect of missense changes on protein structure and function are either unavailable or do not agree on the potential impact of this missense change (SIFT: "Deleterious"; PolyPhen-2: "Probably Damaging"; Align-GVGD: "Class C0"). This variant has not been reported in the literature in individuals with ADAMTS2-related disease.